The following is an entry in ClinVar:

ClinVar aggregate classification (germline): Uncertain significance (1 of 4 stars; one submission).

Submission:

Dasa
Classification: Uncertain significance. Last evaluated: 2025-03-17. Review status: criteria provided, single submitter. Criteria: DASA Assertion Criteria. Collection method: clinical testing. Allele origin: germline.
Comment: NM_001211.6(BUB1B):c.742G>T (p.Ala248Ser) is a missense variant that results in the substitution of alanine with serine. This variant is absent from population databases. Computational prediction algorithms are consistent with a benign effect. The currently available literature and clinical evidence are not sufficient to establish a definitive association between this variant and the reported condition. Therefore, this variant is classified as a variant of uncertain significance.

NM_001211.6(BUB1B):c.742G>T (p.Ala248Ser)

Gene: BUB1B (BUB1 mitotic checkpoint serine/threonine kinase B; plus strand). Cytogenetic location: 15q15.1.
Variant type: single nucleotide variant.
Coding change: c.742G>T on transcript NM_001211.6 (MANE Select); coding-DNA position 742, G replaced by T.
Protein change: p.Ala248Ser; replaces alanine 248 with serine.
Molecular consequence: missense variant.
Genome position (GRCh38, 1-based): chr15:40,183,874, G>T. VCF-style: chr15-40183874-G-T. GRCh37 (hg19) VCF-style: chr15-40476075-G-T.
Other names: short protein forms A248S.
Identifiers: ClinVar variation 4883116 (VCV004883116.2).
Genomic context (GRCh38, chr15:40,183,874, plus strand): 5'-GCTGAACTAAAGAGCAAAGGGAAAAAGACAGCAAGAGCTCCAATCATCCGTGTAGGAGGT[G>T]CTCTCAAGGGTAAGTTTGTTAAACGTTATTTCGGAAAACTGTTAGTTTCTAGTGGTAAAA-3'
Protein context (NP_001202.5, residues 238-258): ARAPIIRVGG[Ala248Ser]LKAPSQNRGL